The following is an entry in ClinVar:

ClinVar aggregate classification (germline): Uncertain significance (1 of 4 stars; one submission).

Conditions:
Hereditary cancer-predisposing syndrome. Also called: Neoplastic Syndromes, Hereditary; Tumor predisposition; Hereditary Cancer Syndrome; Hereditary neoplastic syndrome. Identifiers: Orphanet 140162, MedGen C0027672, MeSH D009386, MONDO:0015356.

Submission:

Ambry Genetics
Classification: Uncertain significance for Hereditary cancer-predisposing syndrome. Last evaluated: 2026-05-12. Review status: criteria provided, single submitter. Criteria: Ambry Variant Classification Scheme 2023. Collection method: clinical testing. Allele origin: germline.
Comment: The p.G964R variant (also known as c.2890G>C), located in coding exon 9 of the PALB2 gene, results from a G to C substitution at nucleotide position 2890. The glycine at codon 964 is replaced by arginine, an amino acid with dissimilar properties. This amino acid position is highly conserved in available vertebrate species. In addition, the in silico prediction for this alteration is inconclusive. Based on the available evidence, the clinical significance of this variant remains unclear.

NM_024675.4(PALB2):c.2890G>C (p.Gly964Arg)

Gene: PALB2 (partner and localizer of BRCA2; minus strand). Cytogenetic location: 16p12.2.
Variant type: single nucleotide variant.
Coding change: c.2890G>C on transcript NM_024675.4 (MANE Select); coding-DNA position 2890, G replaced by C.
Protein change: p.Gly964Arg; replaces glycine 964 with arginine.
Molecular consequence: missense variant. On other transcripts: intron variant (1).
Genome position (GRCh38, 1-based): chr16:23,623,075, C>G on the plus strand (G>C on the coding strand, the complement: PALB2 is on the minus strand). VCF-style: chr16-23623075-C-G. GRCh37 (hg19) VCF-style: chr16-23634396-C-G.
Other names: c.2830G>C, p.Gly944Arg (NM_001407296.1); c.2818G>C, p.Gly940Arg (NM_001407297.1); c.2728G>C, p.Gly910Arg (NM_001407298.1, NM_001407302.1); c.2890G>C, p.Gly964Arg (NM_001407299.1, NM_001407301.1); c.2005G>C, p.Gly669Arg (NM_001407304.1, NM_001407305.1, NM_001407306.1 and 4 more transcripts); c.1843G>C, p.Gly615Arg (NM_001407307.1); c.1102G>C, p.Gly368Arg (NM_001407312.1, NM_001407313.1); c.424G>C, p.Gly142Arg (NM_001407314.1); and 1 more; short protein forms G142R, G368R, G615R, G669R, G910R, G940R, G944R, G964R.
Identifiers: ClinVar variation 4861500 (VCV004861500.1).